The following is an entry in ClinVar:

NM_005228.5(EGFR):c.478G>T (p.Glu160Ter)

Gene: EGFR (epidermal growth factor receptor; plus strand). Cytogenetic location: 7p11.2.
Variant type: single nucleotide variant.
Coding change: c.478G>T on transcript NM_005228.5 (MANE Select); coding-DNA position 478, G replaced by T.
Protein change: p.Glu160Ter; replaces glutamic acid 160 with a stop codon.
Molecular consequence: nonsense. On other transcripts: intron variant (3).
Genome position (GRCh38, 1-based): chr7:55,146,659, G>T. VCF-style: chr7-55146659-G-T. GRCh37 (hg19) VCF-style: chr7-55214352-G-T.
Other names: c.478G>T, p.Glu160Ter (NM_001346898.2, NM_201282.2, NM_201283.2 and 1 more transcripts); c.319G>T, p.Glu107Ter (NM_001346900.2); c.424+3171G>T (NM_001346899.2, NM_001346897.2); c.89-9171G>T (NM_001346941.2); short protein forms E107*, E160*.
Identifiers: ClinVar variation 4870250 (VCV004870250.1).

ClinVar aggregate classification (germline): Uncertain significance (1 of 4 stars; one submission).

Conditions:
Hereditary cancer-predisposing syndrome. Also called: Neoplastic Syndromes, Hereditary; Tumor predisposition; Hereditary Cancer Syndrome; Hereditary neoplastic syndrome. Identifiers: Orphanet 140162, MedGen C0027672, MeSH D009386, MONDO:0015356.

Submission:

Ambry Genetics
Classification: Uncertain significance for Hereditary cancer-predisposing syndrome. Last evaluated: 2026-04-22. Review status: criteria provided, single submitter. Criteria: Ambry Variant Classification Scheme 2023. Collection method: clinical testing. Allele origin: germline.
Comment: The p.E160* variant (also known as c.478G>T), located in coding exon 4 of the EGFR gene, results from a G to T substitution at nucleotide position 478. This changes the amino acid from a glutamic acid to a stop codon within coding exon 4. This alteration is expected to result in loss of function by premature protein truncation or nonsense-mediated mRNA decay. Although biallelic loss of function of EGFR are known to cause EGFR-related neonatal inflammatory skin and bowel disease, such associations with EGFR-related lung cancer have not been reported. Based on the supporting evidence, this variant is expected to be causative of EGFR-related neonatal inflammatory skin and bowel disease when present along with a second pathogenic variant on the other allele; however, its clinical significance for EGFR-related lung cancer is unclear.